The following is an entry in ClinVar:

NM_000089.4(COL1A2):c.2323G>A (p.Gly775Arg)

Gene: COL1A2 (collagen type I alpha 2 chain; plus strand). Cytogenetic location: 7q21.3.
Variant type: single nucleotide variant.
Coding change: c.2323G>A on transcript NM_000089.4 (MANE Select); coding-DNA position 2323, G replaced by A.
Protein change: p.Gly775Arg; replaces glycine 775 with arginine.
Molecular consequence: missense variant.
Genome position (GRCh38, 1-based): chr7:94,421,036, G>A. VCF-style: chr7-94421036-G-A. GRCh37 (hg19) VCF-style: chr7-94050348-G-A.
Other names: short protein forms G775R.
Identifiers: ClinVar variation 3389454 (VCV003389454.14).

ClinVar aggregate classification (germline): Pathogenic (1 of 4 stars; one submission).

Submission:

CeGaT Center for Human Genetics Tuebingen
Classification: Pathogenic. Last evaluated: 2024-10-01. Review status: criteria provided, single submitter. Criteria: CeGaT Center For Human Genetics Tuebingen Variant Classification Criteria Version 2. Collection method: clinical testing. Allele origin: germline. Affected: yes. Observed: 1 variant allele.
Comment: COL1A2: PM1:Strong, PM2, PM5, PS4:Moderate, PP3